The following is an entry in ClinVar:

ClinVar aggregate classification (germline): Uncertain significance (1 of 4 stars; one submission).

Conditions:
Cardiomyopathy (CMYO). Also called: Cardiomyopathies. Identifiers: Orphanet 167848, MedGen C0878544, MONDO:0004994, HP:0001638. Inheritance: Various modes of inheritance.

Submission:

Color Diagnostics, LLC DBA Color Health
Classification: Uncertain significance for Cardiomyopathy. Last evaluated: 2023-12-04. Review status: criteria provided, single submitter. Criteria: ACMG Guidelines, 2015. Collection method: clinical testing. Allele origin: germline.
Comment: Variant of Uncertain Significance due to insufficient evidence: This missense variant replaces asparagine with aspartic acid at codon 25 of the TNNI3 protein. Computational prediction tools and conservation analyses are inconclusive regarding the impact of this variant on the protein function. Computational splicing tools suggest that this variant may not impact RNA splicing. To our knowledge, functional assays have not been performed for this variant nor has this variant been reported in individuals affected with cardiovascular disorders in the literature. This variant is rare in the general population and has been identified in 0/277264 chromosomes by the Genome Aggregation Database (gnomAD). Available evidence is insufficient to determine the role of this variant in disease conclusively.

NM_000363.5(TNNI3):c.73A>G (p.Asn25Asp)

Gene: TNNI3 (troponin I3, cardiac type; minus strand). Cytogenetic location: 19q13.42.
Variant type: single nucleotide variant.
Coding change: c.73A>G on transcript NM_000363.5 (MANE Select); coding-DNA position 73, A replaced by G.
Protein change: p.Asn25Asp; replaces asparagine 25 with aspartic acid.
Molecular consequence: missense variant.
Genome position (GRCh38, 1-based): chr19:55,157,085, T>C on the plus strand (A>G on the coding strand, the complement: TNNI3 is on the minus strand). VCF-style: chr19-55157085-T-C. GRCh37 (hg19) VCF-style: chr19-55668453-T-C.
Other names: short protein forms N25D.
Identifiers: ClinVar variation 921640 (VCV000921640.5), dbSNP rs2085738407, ClinGen allele CA407443033.
Genomic context (GRCh38, chr19:55,157,085, plus strand): 5'-CTGCCCCCAGGAAGCCCCGTCCCACCTTGGCGTGCGGCTCCGTGGCATAAGCGCGGTAGT[T>C]GGAGGAGCGGCGTCTGATTGGGGCTGGTGCAGGGCGAGGTTCCCTAGCCTGGGTTAGGAG-3'
Protein context (NP_000354.4, residues 15-35): APAPIRRRSS[Asn25Asp]YRAYATEPHA